The following is an entry in ClinVar:

ClinVar aggregate classification (germline): Pathogenic (1 of 4 stars; one submission).

Conditions:
Developmental and epileptic encephalopathy, 32 (DEE32). Also called: Epileptic encephalopathy, early infantile, 32. Identifiers: Orphanet 442835, MedGen C4225350, MONDO:0014607, OMIM 616366.

Submission:

Labcorp Genetics (formerly Invitae), Labcorp
Classification: Pathogenic for Developmental and epileptic encephalopathy, 32. Last evaluated: 2025-12-08. Review status: criteria provided, single submitter. Criteria: Invitae Variant Classification Sherloc (09022015). Collection method: clinical testing. Allele origin: germline.
Comment: This sequence change replaces glycine, which is neutral and non-polar, with aspartic acid, which is acidic and polar, at codon 398 of the KCNA2 protein (p.Gly398Asp). This variant is not present in population databases (gnomAD no frequency). This missense change has been observed in individual(s) with clinical features of autosomal dominant early infantile epileptic encephalopathy (internal data). In at least one individual the variant was observed to be de novo. ClinVar contains an entry for this variant (Variation ID: 2757952). Invitae Evidence Modeling of protein sequence and biophysical properties (such as structural, functional, and spatial information, amino acid conservation, physicochemical variation, residue mobility, and thermodynamic stability) indicates that this missense variant is expected to disrupt KCNA2 protein function with a positive predictive value of 95%. This variant disrupts the p.Gly398 amino acid residue in KCNA2. Other variant(s) that disrupt this residue have been determined to be pathogenic (PMID: 29050392). This suggests that this residue is clinically significant, and that variants that disrupt this residue are likely to be disease-causing. For these reasons, this variant has been classified as Pathogenic.

Literature cited by the submitters: PubMed 29050392.

NM_004974.4(KCNA2):c.1193G>A (p.Gly398Asp)

Gene: KCNA2 (potassium voltage-gated channel subfamily A member 2; minus strand). Cytogenetic location: 1p13.3.
Variant type: single nucleotide variant.
Coding change: c.1193G>A on transcript NM_004974.4 (MANE Select); coding-DNA position 1193, G replaced by A.
Protein change: p.Gly398Asp; replaces glycine 398 with aspartic acid.
Molecular consequence: missense variant. On other transcripts: intron variant (1).
Genome position (GRCh38, 1-based): chr1:110,603,590, C>T on the plus strand (G>A on the coding strand, the complement: KCNA2 is on the minus strand). VCF-style: chr1-110603590-C-T. GRCh37 (hg19) VCF-style: chr1-111146212-C-T.
Other names: c.894+299G>A (NM_001204269.2); short protein forms G398D.
Identifiers: ClinVar variation 2757952 (VCV002757952.3), dbSNP rs2524616375, ClinGen allele CA341601398.
Genomic context (GRCh38, chr1:110,603,590, plus strand): 5'-TGGTAGAAGTAGTTGAAATTGGACACAATGACAGGGACCGGTAAGGCAATAGTTAACACA[C>T]CTGCAATCGCACATAGGGAACCCACTATCTTTCCCCCAATGGTAGTCGGAACCATGTCTC-3'
Protein context (NP_004965.1, residues 388-408): KIVGSLCAIA[Gly398Asp]VLTIALPVPV